The following is an entry in ClinVar:

ClinVar aggregate classification (germline): Uncertain significance (1 of 4 stars; one submission).

Allele frequency attached by ClinVar (database versions not stated): gnomAD 0.00001.

Submission:

CeGaT Center for Human Genetics Tuebingen
Classification: Uncertain significance. Last evaluated: 2023-06-01. Review status: criteria provided, single submitter. Criteria: CeGaT Center For Human Genetics Tuebingen Variant Classification Criteria Version 2. Collection method: clinical testing. Allele origin: germline. Affected: yes. Observed: 1 variant allele.
Comment: SLC27A3: PM2, BP4

NM_024330.4(SLC27A3):c.1436C>T (p.Ala479Val)

Gene: SLC27A3 (solute carrier family 27 member 3; plus strand). Cytogenetic location: 1q21.3.
Variant type: single nucleotide variant.
Coding change: c.1436C>T on transcript NM_024330.4 (MANE Select); coding-DNA position 1436, C replaced by T.
Protein change: p.Ala479Val; replaces alanine 479 with valine.
Molecular consequence: missense variant. On other transcripts: non-coding transcript variant (1).
Genome position (GRCh38, 1-based): chr1:153,778,542, C>T. VCF-style: chr1-153778542-C-T. GRCh37 (hg19) VCF-style: chr1-153751018-C-T.
Other names: c.1436C>T, p.Ala479Val (NM_001317929.4); short protein forms A479V.
Identifiers: ClinVar variation 2639354 (VCV002639354.24), dbSNP rs1045854293, ClinGen allele CA30729438.